The following is an entry in ClinVar:

NM_001032386.2(SUOX):c.313G>A (p.Gly105Ser)

Gene: SUOX (sulfite oxidase; plus strand). Cytogenetic location: 12q13.2.
Variant type: single nucleotide variant.
Coding change: c.313G>A on transcript NM_001032386.2 (MANE Select); coding-DNA position 313, G replaced by A.
Protein change: p.Gly105Ser; replaces glycine 105 with serine.
Molecular consequence: missense variant.
Genome position (GRCh38, 1-based): chr12:56,003,702, G>A. VCF-style: chr12-56003702-G-A. GRCh37 (hg19) VCF-style: chr12-56397486-G-A.
Other names: c.313G>A, p.Gly105Ser (NM_000456.3, NM_001032387.2); short protein forms G105S.
Identifiers: ClinVar variation 1376905 (VCV001376905.7), dbSNP rs777050937, ClinGen allele CA6620958.

ClinVar aggregate classification (germline): Uncertain significance. Review status: criteria provided, multiple submitters, no conflicts (2 of 4 stars). 2 submissions from 2 submitters: Uncertain significance (2). Last evaluated 2022-07-05.

Conditions:
Sulfite oxidase deficiency. Also called: Isolated sulfite oxidase deficiency. Identifiers: Orphanet 833, Orphanet 99731, MedGen C0268624, MONDO:0010089, OMIM 272300, HP:0003643.

Allele frequency attached by ClinVar (database versions not stated): gnomAD exomes 0.00004; ExAC 0.00005.
gnomAD v4.1: 110 of 1,612,770 alleles (0.0068%); highest among the groups gnomAD compares: Non-Finnish European, 0.009%; no homozygotes.

Submissions (2):

Labcorp Genetics (formerly Invitae), Labcorp
Classification: Uncertain significance for Sulfite oxidase deficiency. Last evaluated: 2022-07-05. Review status: criteria provided, single submitter. Criteria: Invitae Variant Classification Sherloc (09022015). Collection method: clinical testing. Allele origin: germline.
Comment: This sequence change replaces glycine, which is neutral and non-polar, with serine, which is neutral and polar, at codon 105 of the SUOX protein (p.Gly105Ser). This variant is present in population databases (rs777050937, gnomAD 0.009%). This variant has not been reported in the literature in individuals affected with SUOX-related conditions. ClinVar contains an entry for this variant (Variation ID: 1376905). Algorithms developed to predict the effect of missense changes on protein structure and function (SIFT, PolyPhen-2, Align-GVGD) all suggest that this variant is likely to be tolerated. In summary, the available evidence is currently insufficient to determine the role of this variant in disease. Therefore, it has been classified as a Variant of Uncertain Significance.

Department of Pathology and Laboratory Medicine, Sinai Health System
Classification: Uncertain significance for Sulfite oxidase deficiency. Last evaluated: 2021-10-04. Review status: criteria provided, single submitter. Criteria: ACMG Guidelines, 2015. Collection method: research. Allele origin: germline.